The following is an entry in ClinVar:

ClinVar aggregate classification (germline): Uncertain significance (1 of 4 stars; one submission).

Submission:

Women's Health and Genetics/Laboratory Corporation of America, LabCorp
Classification: Uncertain significance. Last evaluated: 2020-01-09. Review status: criteria provided, single submitter. Criteria: LabCorp Variant Classification Summary - May 2015. Collection method: clinical testing. Allele origin: germline.
Comment: Variant summary: TBX3 c.1616C>A (p.Thr539Lys) results in a non-conservative amino acid change in the encoded protein sequence. Three of five in-silico tools predict a damaging effect of the variant on protein function. The variant was absent in 186794 control chromosomes (gnomAD). The available data on variant occurrences in the general population are insufficient to allow any conclusion about variant significance. To our knowledge, no occurrence of c.1616C>A in individuals affected with Ulnar-mammary syndrome and no experimental evidence demonstrating an impact on protein function have been reported. No clinical diagnostic laboratories have submitted clinical-significance assessments for this variant to ClinVar after 2014. Based on the evidence outlined above, the variant was classified as uncertain significance.

NM_005996.4(TBX3):c.1616C>A (p.Thr539Lys)

Gene: TBX3 (T-box transcription factor 3; minus strand). Cytogenetic location: 12q24.21.
Variant type: single nucleotide variant.
Coding change: c.1616C>A on transcript NM_005996.4 (MANE Select); coding-DNA position 1616, C replaced by A.
Protein change: p.Thr539Lys; replaces threonine 539 with lysine.
Molecular consequence: missense variant.
Genome position (GRCh38, 1-based): chr12:114,674,259, G>T on the plus strand (C>A on the coding strand, the complement: TBX3 is on the minus strand). VCF-style: chr12-114674259-G-T. GRCh37 (hg19) VCF-style: chr12-115112064-G-T.
Other names: c.1676C>A, p.Thr559Lys (NM_016569.4); short protein forms T539K, T559K.
Identifiers: ClinVar variation 917644 (VCV000917644.1), dbSNP rs757023811, ClinGen allele CA386868574.
Genomic context (GRCh38, chr12:114,674,259, plus strand): 5'-GGCAGGGTGGCCGCGGACGCCCCGGACAGTCCCTGCGCCGCAGCGGCAGAGGCCATGGCC[G>T]TGGAATCCAGGCCCGAGACACCGGTGGAGGCCCCAGAAACCGTGGCCAGGAGGGGACCCA-3'
Protein context (NP_005987.3, residues 529-549): ASTGVSGLDS[Thr539Lys]AMASAAAAQG